The following is an entry in ClinVar:

ClinVar aggregate classification (germline): Benign/Likely benign. Review status: criteria provided, multiple submitters, no conflicts (2 of 4 stars). 2 submissions from 2 submitters: Benign (1); Likely benign (1). Last evaluated 2026-05-15.

Conditions:
Hereditary cancer-predisposing syndrome. Also called: Neoplastic Syndromes, Hereditary; Tumor predisposition; Hereditary Cancer Syndrome; Hereditary neoplastic syndrome. Identifiers: Orphanet 140162, MedGen C0027672, MeSH D009386, MONDO:0015356.
Tuberous sclerosis 2 (TSC2). Identifiers: Orphanet 805, MedGen C1860707, MONDO:0013199, OMIM 613254.

Submissions (2):

Ambry Genetics
Classification: Likely benign for Hereditary cancer-predisposing syndrome. Last evaluated: 2026-05-15. Review status: criteria provided, single submitter. Criteria: Ambry Variant Classification Scheme 2023. Collection method: clinical testing. Allele origin: germline.

Myriad Genetics, Inc.
Classification: Benign for Tuberous sclerosis 2. Last evaluated: 2025-05-15. Review status: criteria provided, single submitter. Criteria: Myriad Autosomal Dominant, Autosomal Recessive and X-Linked Classification Criteria (2023). Collection method: clinical testing. Allele origin: unknown.
Comment: This variant is considered benign. This variant is a silent/synonymous amino acid change and it is not expected to impact splicing.

NM_000548.5(TSC2):c.1669T>C (p.Leu557=)

Gene: TSC2 (TSC complex subunit 2; plus strand). Cytogenetic location: 16p13.3.
Variant type: single nucleotide variant.
Coding change: c.1669T>C on transcript NM_000548.5 (MANE Select); coding-DNA position 1669, T replaced by C.
Protein change: p.Leu557=; no amino-acid change (leucine 557 retained).
Molecular consequence: synonymous variant. On other transcripts: non-coding transcript variant (5).
Genome position (GRCh38, 1-based): chr16:2,065,588, T>C. VCF-style: chr16-2065588-T-C. GRCh37 (hg19) VCF-style: chr16-2115589-T-C.
Other names: c.1669T>C, p.Leu557= (NM_001077183.3, NM_001114382.3, NM_001363528.2 and 6 more transcripts); c.1558T>C, p.Leu520= (NM_001318827.2, NM_001406670.1, NM_001406678.1); c.1522T>C, p.Leu508= (NM_001318829.2, NM_001406675.1, NM_001406676.1 and 1 more transcripts); c.1069T>C, p.Leu357= (NM_001318831.2, NM_001406680.1, NM_001406682.1 and 6 more transcripts); c.1702T>C, p.Leu568= (NM_001318832.2); c.1759T>C, p.Leu587= (NM_001406667.1, NM_001406668.1); c.1657T>C, p.Leu553= (NM_001406671.1, NM_001406673.1); c.1612T>C, p.Leu538= (NM_001406677.1); and 3 more.
Identifiers: ClinVar variation 4071208 (VCV004071208.2).